The following is an entry in ClinVar:

ClinVar aggregate classification (germline): Uncertain significance (1 of 4 stars; one submission).

Conditions:
Retinoblastoma (RB1). Also called: RETINOBLASTOMA, SOMATIC. Identifiers: Orphanet 790, MedGen C0035335, MeSH D012175, MONDO:0008380, OMIM 180200, HP:0009919. Disease mechanism: loss of function. Inheritance: Both sporadic and heritable forms are tested..

Allele frequency attached by ClinVar (database versions not stated): TOPMed below 0.00001; gnomAD 0.00001.
gnomAD v4.1: 1 of 1,612,190 alleles (0.000062%); highest among the groups gnomAD compares: Non-Finnish European, 0.000085%; no homozygotes.

Submission:

Labcorp Genetics (formerly Invitae), Labcorp
Classification: Uncertain significance for Retinoblastoma. Last evaluated: 2023-10-19. Review status: criteria provided, single submitter. Criteria: Invitae Variant Classification Sherloc (09022015). Collection method: clinical testing. Allele origin: germline.
Comment: This sequence change replaces proline, which is neutral and non-polar, with serine, which is neutral and polar, at codon 238 of the RB1 protein (p.Pro238Ser). This variant is not present in population databases (gnomAD no frequency). This variant has not been reported in the literature in individuals affected with RB1-related conditions. Advanced modeling of protein sequence and biophysical properties (such as structural, functional, and spatial information, amino acid conservation, physicochemical variation, residue mobility, and thermodynamic stability) performed at Invitae indicates that this missense variant is not expected to disrupt RB1 protein function. In summary, the available evidence is currently insufficient to determine the role of this variant in disease. Therefore, it has been classified as a Variant of Uncertain Significance.

NM_000321.3(RB1):c.712C>T (p.Pro238Ser)

Gene: RB1 (RB transcriptional corepressor 1; plus strand). Cytogenetic location: 13q14.2.
Variant type: single nucleotide variant.
Coding change: c.712C>T on transcript NM_000321.3 (MANE Select); coding-DNA position 712, C replaced by T.
Protein change: p.Pro238Ser; replaces proline 238 with serine.
Molecular consequence: missense variant.
Genome position (GRCh38, 1-based): chr13:48,360,121, C>T. VCF-style: chr13-48360121-C-T. GRCh37 (hg19) VCF-style: chr13-48934257-C-T.
Other names: c.712C>T, p.Pro238Ser (NM_001407165.1, NM_001407166.1); short protein forms P238S.
Identifiers: ClinVar variation 2825861 (VCV002825861.3), dbSNP rs1402069667, ClinGen allele CA388158638.